The following is an entry in ClinVar:

NM_001987.5(ETV6):c.1070T>C (p.Phe357Ser)

Genes: ETV6 (ETS variant transcription factor 6; plus strand), LOC126861452 (CDK7 strongly-dependent group 2 enhancer GRCh37_chr12:12037195-12038394; plus strand). Cytogenetic location: 12p13.2.
Variant type: single nucleotide variant.
Coding change: c.1070T>C on transcript NM_001987.5 (MANE Select); coding-DNA position 1070, T replaced by C.
Protein change: p.Phe357Ser; replaces phenylalanine 357 with serine.
Molecular consequence: missense variant. On other transcripts: intron variant (1).
Genome position (GRCh38, 1-based): chr12:11,884,505, T>C. VCF-style: chr12-11884505-T-C. GRCh37 (hg19) VCF-style: chr12-12037439-T-C.
Other names: c.1067T>C, p.Phe356Ser (NM_001413913.1); c.1043T>C, p.Phe348Ser (NM_001413914.1); c.806T>C, p.Phe269Ser (NM_001413915.1); c.1010-6436T>C (NM_001413917.1); short protein forms F357S, F348S, F356S, F269S.
Identifiers: ClinVar variation 4618869 (VCV004618869.1).

ClinVar aggregate classification (germline): Uncertain significance (1 of 4 stars; one submission).

Conditions:
Inborn genetic diseases. Identifiers: MedGen C0950123, MeSH D030342.

Submission:

Ambry Genetics
Classification: Uncertain significance for Inborn genetic diseases. Last evaluated: 2025-11-04. Review status: criteria provided, single submitter. Criteria: Ambry Variant Classification Scheme 2023. Collection method: clinical testing. Allele origin: germline.
Comment: The p.F357S variant (also known as c.1070T>C), located in coding exon 6 of the ETV6 gene, results from a T to C substitution at nucleotide position 1070. The phenylalanine at codon 357 is replaced by serine, an amino acid with highly dissimilar properties. This amino acid position is conserved. In addition, the in silico prediction for this alteration is inconclusive. Based on the available evidence, the clinical significance of this variant remains unclear.